The following is an entry in ClinVar:

ClinVar aggregate classification (germline): Uncertain significance. Review status: criteria provided, multiple submitters, no conflicts (2 of 4 stars). 3 submissions from 3 submitters: Uncertain significance (3). Last evaluated 2025-07-07.

Conditions:
Cardiovascular phenotype. Identifiers: MedGen CN230736.
Long QT syndrome (LQTS). Identifiers: MedGen C0023976, MeSH D008133, MONDO:0002442. Disease mechanism: loss of function. Inheritance: Various modes of inheritance.

Submissions (3):

Labcorp Genetics (formerly Invitae), Labcorp
Classification: Uncertain significance for Long QT syndrome. Last evaluated: 2025-07-07. Review status: criteria provided, single submitter. Criteria: Invitae Variant Classification Sherloc (09022015). Collection method: clinical testing. Allele origin: germline.
Comment: This variant, c.2314_2316del, results in the deletion of 1 amino acid(s) of the CACNA1C protein (p.Glu772del), but otherwise preserves the integrity of the reading frame. This variant is not present in population databases (gnomAD no frequency). This variant has not been reported in the literature in individuals affected with CACNA1C-related conditions. ClinVar contains an entry for this variant (Variation ID: 190691). Experimental studies and prediction algorithms are not available or were not evaluated, and the functional significance of this variant is currently unknown. In summary, the available evidence is currently insufficient to determine the role of this variant in disease. Therefore, it has been classified as a Variant of Uncertain Significance.

GeneDx
Classification: Uncertain significance. Last evaluated: 2023-07-07. Review status: criteria provided, single submitter. Criteria: GeneDx Variant Classification Process June 2021. Collection method: clinical testing. Allele origin: germline. Affected: yes.
Comment: Not observed at significant frequency in large population cohorts (gnomAD); In silico analysis supports a deleterious effect on protein structure/function; Has not been previously published as pathogenic or benign to our knowledge; This variant is associated with the following publications: (PMID: 23631430)

Ambry Genetics
Classification: Uncertain significance for Cardiovascular phenotype. Last evaluated: 2020-09-01. Review status: criteria provided, single submitter. Criteria: Ambry Variant Classification Scheme 2023. Collection method: clinical testing. Allele origin: germline.
Comment: The c.2314_2316delGAG variant (also known as p.E772del) is located in coding exon 16 of the CACNA1C gene, results from an in-frame GAG deletion at nucleotide positions 2314 to 2316. This results in the in-frame deletion of a glutamic acid at codon 772. This variant has been detected in a cohort referred for long QT syndrome genetic testing; however, detail was limited (Lieve KV et al. Genet Test Mol Biomarkers, 2013 Jul;17:553-61). This amino acid position is highly conserved in available vertebrate species. In addition, this alteration is predicted to be deleterious by in silico analysis (Choi Y et al. PLoS ONE. 2012; 7(10):e46688). Since supporting evidence is limited at this time, the clinical significance of this alteration remains unclear.

Literature cited by the submitters: PubMed 23631430 (cited by Ambry Genetics).

NM_000719.7(CACNA1C):c.2311GAG[1] (p.Glu772del)

Gene: CACNA1C (calcium voltage-gated channel subunit alpha1 C; plus strand). Cytogenetic location: 12p13.33.
Variant type: Microsatellite.
Coding change: c.2311GAG[1] on transcript NM_000719.7 (MANE Select); one copy of the 3-base unit GAG starting at c.2311; the reference has two copies in a row; one copy, 3 bases deleted; also written c.2314_2316del.
Protein change: p.Glu772del; deletes glutamic acid 772.
Molecular consequence: inframe deletion.
Genome position (GRCh38, 1-based): chr12:2,584,592-2,584,594, GAG deleted; deleting any 3 consecutive bases within chr12:2,584,589-2,584,594 gives the same sequence; the position shown is the placement nearest the transcript's 3' end. VCF-style (leftmost placement, unchanged base first): chr12-2584588-AGAG-A. GRCh37 (hg19) VCF-style: chr12-2693754-AGAG-A.
Other names: c.2311GAG[1], p.Glu772del (NM_001129827.2, NM_001129829.2, NM_001129830.3 and 18 more transcripts); c.2302GAG[1], p.Glu769del (NM_001129844.2); c.2314_2316delGAG (NM_000719.6); c.2314_2316del (NM_000719.6); short protein forms E772del, E769del.
Identifiers: ClinVar variation 190691 (VCV000190691.29), dbSNP rs786205770, ClinGen allele CA301664.